The following is an entry in ClinVar:

NM_001348768.2(HECW2):c.4171G>A (p.Gly1391Arg)

Gene: HECW2 (HECT, C2 and WW domain containing E3 ubiquitin protein ligase 2; minus strand). Cytogenetic location: 2q32.3.
Variant type: single nucleotide variant.
Coding change: c.4171G>A on transcript NM_001348768.2 (MANE Select); coding-DNA position 4171, G replaced by A.
Protein change: p.Gly1391Arg; replaces glycine 1391 with arginine.
Molecular consequence: missense variant.
Genome position (GRCh38, 1-based): chr2:196,220,917, C>T on the plus strand (G>A on the coding strand, the complement: HECW2 is on the minus strand). VCF-style: chr2-196220917-C-T. GRCh37 (hg19) VCF-style: chr2-197085641-C-T.
Other names: c.3103G>A, p.Gly1035Arg (NM_001304840.3); c.4171G>A, p.Gly1391Arg (NM_020760.4); short protein forms G1035R, G1391R.
Identifiers: ClinVar variation 5009428 (VCV005009428.1).
Genomic context (GRCh38, chr2:196,220,917, plus strand): 5'-TCACCATCCTCTCGATGTACTCCTTCTTGTTCTTCTCTGTAACTGGGATATTGGCACCCC[C>T]TGGCTTTAATTCTCGTTCAGTTATCTGAGATTACAAAATAAAAAGAATGACTACAAAGCA-3'
Protein context (NP_001335697.1, residues 1381-1401): GQITERELKP[Gly1391Arg]GANIPVTEKN

ClinVar aggregate classification (germline): Uncertain significance (1 of 4 stars; one submission).

Submission:

GeneDx
Classification: Uncertain significance. Last evaluated: 2026-03-18. Review status: criteria provided, single submitter. Criteria: GeneDx Variant Classification Process June 2021. Collection method: clinical testing. Allele origin: germline.
Comment: Not observed at significant frequency in large population cohorts (gnomAD); In silico analysis supports that this missense variant has a deleterious effect on protein structure/function; Has not been previously published as pathogenic or benign to our knowledge